The following is an entry in ClinVar:

NM_198282.4(STING1):c.1076A>G (p.Gln359Arg)

Gene: STING1 (stimulator of interferon response cGAMP interactor 1; minus strand). Cytogenetic location: 5q31.2.
Variant type: single nucleotide variant.
Coding change: c.1076A>G on transcript NM_198282.4 (MANE Select); coding-DNA position 1076, A replaced by G.
Protein change: p.Gln359Arg; replaces glutamine 359 with arginine.
Molecular consequence: missense variant. On other transcripts: 3 prime UTR variant (1).
Genome position (GRCh38, 1-based): chr5:139,476,325, T>C on the plus strand (A>G on the coding strand, the complement: STING1 is on the minus strand). VCF-style: chr5-139476325-T-C. GRCh37 (hg19) VCF-style: chr5-138855910-T-C.
Other names: c.1076A>G, p.Gln359Arg (LRG_1308t1); c.*37A>G (NM_001301738.2); c.719A>G, p.Gln240Arg (NM_001367258.1); c.1076A>G (NM_198282.2); short protein forms Q240R, Q359R.
Identifiers: ClinVar variation 641434 (VCV000641434.15), dbSNP rs141830680, ClinGen allele CA3435237.

ClinVar aggregate classification (germline): Conflicting classifications of pathogenicity. Review status: criteria provided, conflicting classifications (1 of 4 stars). 5 submissions from 5 submitters: Uncertain significance (4); Likely benign (1). Last evaluated 2026-01-06.

Conditions:
Autoinflammatory syndrome. Identifiers: Orphanet 93665, MedGen C3890737, MONDO:0019751.
Inborn genetic diseases. Identifiers: MedGen C0950123, MeSH D030342.
STING-associated vasculopathy with onset in infancy. Also called: Sting-associated vasculopathy, infantile-onset. Identifiers: Orphanet 425120, MedGen C4014722, MONDO:0014405, OMIM 615934.

Allele frequency attached by ClinVar (database versions not stated): gnomAD exomes 0.00003 and 0.00006; ExAC 0.00013; gnomAD 0.00022 and 0.00023; TOPMed 0.00026; 1000 Genomes Project 30x 0.00031; ESP Exome Variant Server 0.00031; 1000 Genomes Project 0.00040.
gnomAD v4.1: 81 of 1,611,962 alleles (0.005%); highest among the groups gnomAD compares: African/African-American, 0.08%; 2 homozygotes.

Submissions (5):

Labcorp Genetics (formerly Invitae), Labcorp
Classification: Uncertain significance for STING-associated vasculopathy with onset in infancy. Last evaluated: 2026-01-06. Review status: criteria provided, single submitter. Criteria: Invitae Variant Classification Sherloc (09022015). Collection method: clinical testing. Allele origin: germline.
Comment: This sequence change replaces glutamine, which is neutral and polar, with arginine, which is basic and polar, at codon 359 of the TMEM173 protein (p.Gln359Arg). This variant is present in population databases (rs141830680, gnomAD 0.07%), and has an allele count higher than expected for a pathogenic variant. This variant has not been reported in the literature in individuals affected with TMEM173-related conditions. ClinVar contains an entry for this variant (Variation ID: 641434). An algorithm developed to predict the effect of missense changes on protein structure and function outputs the following: PolyPhen-2: "Benign". The arginine amino acid residue is found in multiple mammalian species, which suggests that this missense change does not adversely affect protein function. In summary, the available evidence is currently insufficient to determine the role of this variant in disease. Therefore, it has been classified as a Variant of Uncertain Significance.

Ambry Genetics
Classification: Uncertain significance for Inborn genetic diseases. Last evaluated: 2025-08-12. Review status: criteria provided, single submitter. Criteria: Ambry Variant Classification Scheme 2023. Collection method: clinical testing. Allele origin: germline.

Blueprint Genetics
Classification: Uncertain significance. Last evaluated: 2024-09-23. Review status: criteria provided, single submitter. Criteria: ACMG Guidelines, 2015. Collection method: clinical testing. Allele origin: germline.

Genome Diagnostics Laboratory, The Hospital for Sick Children
Classification: Likely benign for Autoinflammatory syndrome. Last evaluated: 2021-02-18. Review status: criteria provided, single submitter. Criteria: ACMG Guidelines, 2015. Collection method: clinical testing. Allele origin: germline. Affected: yes.

Breakthrough Genomics
Classification: Uncertain significance. Review status: criteria provided, single submitter. Criteria: ACMG Guidelines, 2015. Collection method: not provided. Allele origin: germline. Inheritance: Autosomal dominant inheritance. Affected: yes.